The following is an entry in ClinVar:

NM_000426.4(LAMA2):c.526T>C (p.Cys176Arg)

Gene: LAMA2 (laminin subunit alpha 2; plus strand). Cytogenetic location: 6q22.33.
Variant type: single nucleotide variant.
Coding change: c.526T>C on transcript NM_000426.4 (MANE Select); coding-DNA position 526, T replaced by C.
Protein change: p.Cys176Arg; replaces cysteine 176 with arginine.
Molecular consequence: missense variant.
Genome position (GRCh38, 1-based): chr6:129,098,302, T>C. VCF-style: chr6-129098302-T-C. GRCh37 (hg19) VCF-style: chr6-129419447-T-C.
Other names: c.526T>C, p.Cys176Arg (NM_001079823.2); short protein forms C176R.
Identifiers: ClinVar variation 3895696 (VCV003895696.1).
Genomic context (GRCh38, chr6:129,098,302, plus strand): 5'-CGCTCTCTTGATGATGTTGAATACAAGCCCTGGCAGTATCATGCTGTGACAGACACGGAG[T>C]GCCTAACGCTTTACAATATTTATCCCCGCACTGGGCCACCGTCATATGCCAAAGATGATG-3'
Protein context (NP_000417.3, residues 166-186): WQYHAVTDTE[Cys176Arg]LTLYNIYPRT

ClinVar aggregate classification (germline): Uncertain significance (1 of 4 stars; one submission).

gnomAD v4.1: 3 of 1,614,006 alleles (0.00019%); highest among the groups gnomAD compares: African/African-American, 0.0013%; no homozygotes.

Submission:

Women's Health and Genetics/Laboratory Corporation of America, LabCorp
Classification: Uncertain significance. Last evaluated: 2025-03-12. Review status: criteria provided, single submitter. Criteria: LabCorp Variant Classification Summary - May 2015. Collection method: clinical testing. Allele origin: germline.
Comment: Variant summary: LAMA2 c.526T>C (p.Cys176Arg) results in a non-conservative amino acid change in the encoded protein sequence. Five of five in-silico tools predict a damaging effect of the variant on protein function. The variant allele was found at a frequency of 4e-06 in 251464 control chromosomes. The available data on variant occurrences in the general population are insufficient to allow any conclusion about variant significance. c.526T>C has been reported in the literature in at least one compound heterozygous individual affected with clinical features of Laminin Alpha 2-Related Dystrophy (e.g. Koshorek_2022). These report(s) do not provide unequivocal conclusions about association of the variant with Laminin Alpha 2-Related Dystrophy. To our knowledge, no experimental evidence demonstrating an impact on protein function has been reported. The following publication has been ascertained in the context of this evaluation (PMID: 35868801). No submitters have cited clinical-significance assessments for this variant to ClinVar. Based on the evidence outlined above, the variant was classified as uncertain significance.

Literature cited by the submitters: PubMed 35868801.